The following is an entry in ClinVar:

NM_207346.3(TSEN54):c.688A>G (p.Ser230Gly)

Gene: TSEN54 (tRNA splicing endonuclease subunit 54; plus strand). Cytogenetic location: 17q25.1.
Variant type: single nucleotide variant.
Coding change: c.688A>G on transcript NM_207346.3 (MANE Select); coding-DNA position 688, A replaced by G.
Protein change: p.Ser230Gly; replaces serine 230 with glycine.
Molecular consequence: missense variant.
Genome position (GRCh38, 1-based): chr17:75,521,769, A>G. VCF-style: chr17-75521769-A-G. GRCh37 (hg19) VCF-style: chr17-73517850-A-G.
Other names: short protein forms S230G.
Identifiers: ClinVar variation 2827391 (VCV002827391.3), dbSNP rs1187189879, ClinGen allele CA401028655.

ClinVar aggregate classification (germline): Uncertain significance (1 of 4 stars; one submission).

Allele frequency attached by ClinVar (database versions not stated): gnomAD exomes below 0.00001; TOPMed below 0.00001.
gnomAD v4.1: 2 of 1,612,908 alleles (0.00012%); highest among the groups gnomAD compares: Admixed American, 0.0033%; no homozygotes.

Submission:

Labcorp Genetics (formerly Invitae), Labcorp
Classification: Uncertain significance. Last evaluated: 2023-10-10. Review status: criteria provided, single submitter. Criteria: Invitae Variant Classification Sherloc (09022015). Collection method: clinical testing. Allele origin: germline.
Comment: This sequence change replaces serine, which is neutral and polar, with glycine, which is neutral and non-polar, at codon 230 of the TSEN54 protein (p.Ser230Gly). This variant is not present in population databases (gnomAD no frequency). This variant has not been reported in the literature in individuals affected with TSEN54-related conditions. Advanced modeling of protein sequence and biophysical properties (such as structural, functional, and spatial information, amino acid conservation, physicochemical variation, residue mobility, and thermodynamic stability) performed at Invitae indicates that this missense variant is not expected to disrupt TSEN54 protein function. In summary, the available evidence is currently insufficient to determine the role of this variant in disease. Therefore, it has been classified as a Variant of Uncertain Significance.